The following is an entry in ClinVar:

ClinVar aggregate classification (germline): Uncertain significance. Review status: criteria provided, multiple submitters, no conflicts (2 of 4 stars). 2 submissions from 2 submitters: Uncertain significance (2). Last evaluated 2026-06-29.

Conditions:
RAI1-related disorder. Also called: RAI1-related condition.

Allele frequency attached by ClinVar (database versions not stated): gnomAD exomes below 0.00001.
gnomAD v4.1: 1 of 1,613,990 alleles (0.000062%); highest among the groups gnomAD compares: African/African-American, 0.0013%; no homozygotes.

Submissions (2):

PreventionGenetics, part of Exact Sciences
Classification: Uncertain significance for RAI1-related condition. Last evaluated: 2026-06-29. Review status: criteria provided, single submitter. Criteria: ACMG Guidelines, 2015. Collection method: clinical testing. Allele origin: germline.
Comment: The RAI1 c.1115A>G variant is predicted to result in the amino acid substitution p.Tyr372Cys. To our knowledge, this variant has not been reported in the literature or in a large population database (gnomAD), indicating this variant is rare. At this time, the clinical significance of this variant is uncertain due to the absence of conclusive functional and genetic evidence.

Labcorp Genetics (formerly Invitae), Labcorp
Classification: Uncertain significance. Last evaluated: 2023-11-15. Review status: criteria provided, single submitter. Criteria: Invitae Variant Classification Sherloc (09022015). Collection method: clinical testing. Allele origin: germline.
Comment: This sequence change replaces tyrosine, which is neutral and polar, with cysteine, which is neutral and slightly polar, at codon 372 of the RAI1 protein (p.Tyr372Cys). This variant is not present in population databases (gnomAD no frequency). This variant has not been reported in the literature in individuals affected with RAI1-related conditions. Advanced modeling of protein sequence and biophysical properties (such as structural, functional, and spatial information, amino acid conservation, physicochemical variation, residue mobility, and thermodynamic stability) performed at Invitae indicates that this missense variant is not expected to disrupt RAI1 protein function with a negative predictive value of 80%. In summary, the available evidence is currently insufficient to determine the role of this variant in disease. Therefore, it has been classified as a Variant of Uncertain Significance.

NM_030665.4(RAI1):c.1115A>G (p.Tyr372Cys)

Gene: RAI1 (retinoic acid induced 1; plus strand). Cytogenetic location: 17p11.2.
Variant type: single nucleotide variant.
Coding change: c.1115A>G on transcript NM_030665.4 (MANE Select); coding-DNA position 1115, A replaced by G.
Protein change: p.Tyr372Cys; replaces tyrosine 372 with cysteine.
Molecular consequence: missense variant.
Genome position (GRCh38, 1-based): chr17:17,794,063, A>G. VCF-style: chr17-17794063-A-G. GRCh37 (hg19) VCF-style: chr17-17697377-A-G.
Other names: c.1115A>G (NM_030665.3); short protein forms Y372C.
Identifiers: ClinVar variation 2991511 (VCV002991511.4), dbSNP rs2508573738, ClinGen allele CA398546921.
Genomic context (GRCh38, chr17:17,794,063, plus strand): 5'-GCTCACCTTCCTACAGTTCCACACCGTCGCCGCTGATGCCAAACCTGGAGAACTTTCCCT[A>G]CAGCCAGCAGCCGCTCAGCACCGGGGCCTTCCCCGCAGGGATCACTGACCACAGCCACTT-3'
Protein context (NP_109590.3, residues 362-382): PLMPNLENFP[Tyr372Cys]SQQPLSTGAF